The following is an entry in ClinVar:

NM_001040716.2(PC):c.2447G>A (p.Cys816Tyr)

Gene: PC (pyruvate carboxylase; minus strand). Cytogenetic location: 11q13.2.
Variant type: single nucleotide variant.
Coding change: c.2447G>A on transcript NM_001040716.2 (MANE Select); coding-DNA position 2447, G replaced by A.
Protein change: p.Cys816Tyr; replaces cysteine 816 with tyrosine.
Molecular consequence: missense variant.
Genome position (GRCh38, 1-based): chr11:66,850,700, C>T on the plus strand (G>A on the coding strand, the complement: PC is on the minus strand). VCF-style: chr11-66850700-C-T. GRCh37 (hg19) VCF-style: chr11-66618171-C-T.
Other names: c.2447G>A, p.Cys816Tyr (NM_000920.4, NM_022172.3); short protein forms C816Y.
Identifiers: ClinVar variation 1016147 (VCV001016147.8), dbSNP rs1235315835, ClinGen allele CA381492958.

ClinVar aggregate classification (germline): Uncertain significance (1 of 4 stars; one submission).

Conditions:
Pyruvate carboxylase deficiency. Also called: ATAXIA WITH LACTIC ACIDOSIS II; LEIGH NECROTIZING ENCEPHALOPATHY DUE TO PYRUVATE CARBOXYLASE DEFICIENCY; LEIGH SYNDROME DUE TO PYRUVATE CARBOXYLASE DEFICIENCY; PC DEFICIENCY; Pyruvate Carboxylase Deficiency Disease. Identifiers: Orphanet 3008, MedGen C0034341, MONDO:0009949, OMIM 266150.

Submission:

Labcorp Genetics (formerly Invitae), Labcorp
Classification: Uncertain significance for Pyruvate carboxylase deficiency. Last evaluated: 2020-07-23. Review status: criteria provided, single submitter. Criteria: Invitae Variant Classification Sherloc (09022015). Collection method: clinical testing. Allele origin: germline.
Comment: This sequence change replaces cysteine with tyrosine at codon 816 of the PC protein (p.Cys816Tyr). The cysteine residue is moderately conserved and there is a large physicochemical difference between cysteine and tyrosine. In summary, the available evidence is currently insufficient to determine the role of this variant in disease. Therefore, it has been classified as a Variant of Uncertain Significance. Algorithms developed to predict the effect of missense changes on protein structure and function are either unavailable or do not agree on the potential impact of this missense change (SIFT: "Deleterious"; PolyPhen-2: "Possibly Damaging"; Align-GVGD: "Class C0"). This variant has not been reported in the literature in individuals with PC-related conditions. This variant is not present in population databases (ExAC no frequency).